The following is an entry in ClinVar:

ClinVar aggregate classification (germline): Uncertain significance. Review status: criteria provided, multiple submitters, no conflicts (2 of 4 stars). 2 submissions from 2 submitters: Uncertain significance (2). Last evaluated 2025-02-19.

Conditions:
Inborn genetic diseases. Identifiers: MedGen C0950123, MeSH D030342.
Hajdu-Cheney syndrome (HJCYS). Also called: ACROOSTEOLYSIS WITH OSTEOPOROSIS AND CHANGES IN SKULL AND MANDIBLE; SERPENTINE FIBULA-POLYCYSTIC KIDNEY SYNDROME; Acroosteolysis dominant type. Identifiers: Orphanet 955, MedGen C0917715, MONDO:0007057, OMIM 102500.

Allele frequency attached by ClinVar (database versions not stated): gnomAD exomes 0.00001; TOPMed 0.00003.
gnomAD v4.1: 4 of 1,612,684 alleles (0.00025%); highest among the groups gnomAD compares: Middle Eastern, 0.017%; no homozygotes.

Submissions (2):

Ambry Genetics
Classification: Uncertain significance for Inborn genetic diseases. Last evaluated: 2025-02-19. Review status: criteria provided, single submitter. Criteria: Ambry Variant Classification Scheme 2023. Collection method: clinical testing. Allele origin: germline.

Labcorp Genetics (formerly Invitae), Labcorp
Classification: Uncertain significance for Hajdu-Cheney syndrome. Last evaluated: 2025-01-05. Review status: criteria provided, single submitter. Criteria: Invitae Variant Classification Sherloc (09022015). Collection method: clinical testing. Allele origin: germline.
Comment: This sequence change replaces valine, which is neutral and non-polar, with methionine, which is neutral and non-polar, at codon 794 of the NOTCH2 protein (p.Val794Met). This variant is not present in population databases (gnomAD no frequency). This variant has not been reported in the literature in individuals affected with NOTCH2-related conditions. ClinVar contains an entry for this variant (Variation ID: 3008135). Invitae Evidence Modeling of protein sequence and biophysical properties (such as structural, functional, and spatial information, amino acid conservation, physicochemical variation, residue mobility, and thermodynamic stability) indicates that this missense variant is not expected to disrupt NOTCH2 protein function with a negative predictive value of 80%. In summary, the available evidence is currently insufficient to determine the role of this variant in disease. Therefore, it has been classified as a Variant of Uncertain Significance.

NM_024408.4(NOTCH2):c.2380G>A (p.Val794Met)

Gene: NOTCH2 (notch receptor 2; minus strand). Cytogenetic location: 1p12.
Variant type: single nucleotide variant.
Coding change: c.2380G>A on transcript NM_024408.4 (MANE Select); coding-DNA position 2380, G replaced by A.
Protein change: p.Val794Met; replaces valine 794 with methionine.
Molecular consequence: missense variant.
Genome position (GRCh38, 1-based): chr1:119,950,823, C>T on the plus strand (G>A on the coding strand, the complement: NOTCH2 is on the minus strand). VCF-style: chr1-119950823-C-T. GRCh37 (hg19) VCF-style: chr1-120493446-C-T.
Other names: c.2380G>A, p.Val794Met (NM_001200001.2); c.2380G>A (NM_024408.3); short protein forms V794M.
Identifiers: ClinVar variation 3008135 (VCV003008135.4), dbSNP rs1650443510, ClinGen allele CA341862255.